The following is an entry in ClinVar:

ClinVar aggregate classification (germline): Uncertain significance. Review status: criteria provided, multiple submitters, no conflicts (2 of 4 stars). 2 submissions from 2 submitters: Uncertain significance (2). Last evaluated 2026-01-13.

Conditions:
IFT74-related disorder. Also called: IFT74-Related Disorders; IFT74-related condition.
Inborn genetic diseases. Identifiers: MedGen C0950123, MeSH D030342.

gnomAD v4.1: 3 of 1,512,262 alleles (0.0002%); highest among the groups gnomAD compares: Non-Finnish European, 0.00027%; no homozygotes.

Submissions (2):

PreventionGenetics, part of Exact Sciences
Classification: Uncertain significance for IFT74-related condition. Last evaluated: 2026-01-13. Review status: criteria provided, single submitter. Criteria: ACMG Guidelines, 2015. Collection method: clinical testing. Allele origin: germline.
Comment: The IFT74 c.940G>A variant is predicted to result in the amino acid substitution p.Asp314Asn. To our knowledge, this variant has not been reported in the literature or in a large population database (gnomAD), indicating this variant is rare. At this time, the clinical significance of this variant is uncertain due to the absence of conclusive functional and genetic evidence.

Ambry Genetics
Classification: Uncertain significance for Inborn genetic diseases. Last evaluated: 2025-08-23. Review status: criteria provided, single submitter. Criteria: Ambry Variant Classification Scheme 2023. Collection method: clinical testing. Allele origin: germline.

NM_025103.4(IFT74):c.940G>A (p.Asp314Asn)

Gene: IFT74 (intraflagellar transport 74; plus strand). Cytogenetic location: 9p21.2.
Variant type: single nucleotide variant.
Coding change: c.940G>A on transcript NM_025103.4 (MANE Select); coding-DNA position 940, G replaced by A.
Protein change: p.Asp314Asn; replaces aspartic acid 314 with asparagine.
Molecular consequence: missense variant.
Genome position (GRCh38, 1-based): chr9:27,018,653, G>A. VCF-style: chr9-27018653-G-A. GRCh37 (hg19) VCF-style: chr9-27018651-G-A.
Other names: c.940G>A (NM_025103.2); c.940G>A, p.Asp314Asn (NM_001099222.3, NM_001099223.3, NM_001099224.3 and 1 more transcripts); short protein forms D314N.
Identifiers: ClinVar variation 4273956 (VCV004273956.2).